The following is an entry in ClinVar:

NM_001077418.3(TMEM231):c.900T>C (p.Ile300=)

Gene: TMEM231 (transmembrane protein 231; minus strand). Cytogenetic location: 16q23.1.
Variant type: single nucleotide variant.
Coding change: c.900T>C on transcript NM_001077418.3 (MANE Select); coding-DNA position 900, T replaced by C.
Protein change: p.Ile300=; no amino-acid change (isoleucine 300 retained).
Molecular consequence: synonymous variant. On other transcripts: non-coding transcript variant (1).
Genome position (GRCh38, 1-based): chr16:75,540,045, A>G on the plus strand (T>C on the coding strand, the complement: TMEM231 is on the minus strand). VCF-style: chr16-75540045-A-G. GRCh37 (hg19) VCF-style: chr16-75573943-A-G.
Other names: c.1059T>C, p.Ile353= (NM_001077416.2).
Identifiers: ClinVar variation 516202 (VCV000516202.21), dbSNP rs199628375, ClinGen allele CA8175999.
Genomic context (GRCh38, chr16:75,540,045, plus strand): 5'-ATGGCCTTTCTAGGATAAGTGCTCCTTACACAAGTCTCCCCGGGGCGTCACTGTCACAGG[A>G]ATGGTGGTCACCACCTGATTCTGAAACACGAAGATCTTGATTCTTTCAAACACCCAGAGG-3'
Protein context (NP_001070886.1, residues 290-310): FVFQNQVVTT[Ile300=]PVTVTPRGDL

ClinVar aggregate classification (germline): Benign/Likely benign. Review status: criteria provided, multiple submitters, no conflicts (2 of 4 stars). 5 submissions from 5 submitters: Benign (1); Likely benign (4). Last evaluated 2026-01-31.

Conditions:
Meckel syndrome, type 11 (MKS11). Identifiers: Orphanet 564, MedGen C3809352, MONDO:0014164, OMIM 615397.
Joubert syndrome 20 (JBTS20). Identifiers: Orphanet 475, MedGen C3554235, MONDO:0013994, OMIM 614970.

Allele frequency attached by ClinVar (database versions not stated): ExAC 0.00046; gnomAD 0.00089; TOPMed 0.00097; ESP Exome Variant Server 0.00107; 1000 Genomes Project 0.00160; 1000 Genomes Project 30x 0.00187.
gnomAD v4.1: 355 of 1,613,632 alleles (0.022%); highest among the groups gnomAD compares: African/African-American, 0.3%; 1 homozygote.

Submissions (5):

Labcorp Genetics (formerly Invitae), Labcorp
Classification: Benign for Joubert syndrome 20; Meckel syndrome, type 11. Last evaluated: 2026-01-31. Review status: criteria provided, single submitter. Criteria: Invitae Variant Classification Sherloc (09022015). Collection method: clinical testing. Allele origin: germline.

CeGaT Center for Human Genetics Tuebingen
Classification: Likely benign. Last evaluated: 2025-07-01. Review status: criteria provided, single submitter. Criteria: CeGaT Center For Human Genetics Tuebingen Variant Classification Criteria Version 2. Collection method: clinical testing. Allele origin: germline. Affected: yes. Observed: 1 variant allele.
Comment: TMEM231: BP4, BP7

Blueprint Genetics
Classification: Likely benign. Last evaluated: 2024-10-09. Review status: criteria provided, single submitter. Criteria: ACMG Guidelines, 2015. Collection method: clinical testing. Allele origin: germline.

GeneDx
Classification: Likely benign. Last evaluated: 2020-01-25. Review status: criteria provided, single submitter. Criteria: GeneDx Variant Classification Process June 2021. Collection method: clinical testing. Allele origin: germline. Affected: yes.

Breakthrough Genomics
Classification: Likely benign. Review status: criteria provided, single submitter. Criteria: ACMG Guidelines, 2015. Collection method: not provided. Allele origin: germline. Inheritance: Autosomal recessive inheritance. Affected: yes.